The following is an entry in ClinVar:

NM_152383.5(DIS3L2):c.259del (p.Ser87fs)

Gene: DIS3L2 (DIS3 like 3'-5' exoribonuclease 2; plus strand). Cytogenetic location: 2q37.1.
Variant type: Deletion.
Coding change: c.259del on transcript NM_152383.5 (MANE Select); coding-DNA position 259, one base deleted (T; older notation c.259delT).
Protein change: p.Ser87fs; shifts the reading frame from serine 87.
Molecular consequence: frameshift variant. On other transcripts: non-coding transcript variant (2).
Genome position (GRCh38, 1-based): chr2:232,024,325, T deleted; the last of 2 consecutive T bases (chr2:232,024,324-232,024,325); deleting either gives the same sequence. VCF-style (leftmost placement, unchanged base first): chr2-232024323-CT-C. GRCh37 (hg19) VCF-style: chr2-232889033-CT-C.
Other names: c.259del, p.Ser87fs (NM_001257281.2, NM_001257282.2); short protein forms S87fs.
Identifiers: ClinVar variation 2839794 (VCV002839794.3), dbSNP rs2469611960, ClinGen allele CA2663589637.

ClinVar aggregate classification (germline): Pathogenic (1 of 4 stars; one submission).

Conditions:
Perlman syndrome (PRLMNS). Identifiers: Orphanet 2849, MedGen C0796113, MONDO:0009965, OMIM 267000.

Submission:

Labcorp Genetics (formerly Invitae), Labcorp
Classification: Pathogenic for Perlman syndrome. Last evaluated: 2023-02-22. Review status: criteria provided, single submitter. Criteria: Invitae Variant Classification Sherloc (09022015). Collection method: clinical testing. Allele origin: germline.
Comment: For these reasons, this variant has been classified as Pathogenic. This variant has not been reported in the literature in individuals affected with DIS3L2-related conditions. This variant is not present in population databases (gnomAD no frequency). This sequence change creates a premature translational stop signal (p.Ser87Profs*20) in the DIS3L2 gene. It is expected to result in an absent or disrupted protein product. Loss-of-function variants in DIS3L2 are known to be pathogenic (PMID: 22306653, 28328139).

Literature cited by the submitters: PubMed 22306653; PubMed 28328139.